The following is an entry in ClinVar:

NM_014516.4(CNOT3):c.366A>G (p.Glu122=)

Gene: CNOT3 (CCR4-NOT transcription complex subunit 3; plus strand). Cytogenetic location: 19q13.42.
Variant type: single nucleotide variant.
Coding change: c.366A>G on transcript NM_014516.4 (MANE Select); coding-DNA position 366, A replaced by G.
Protein change: p.Glu122=; no amino-acid change (glutamic acid 122 retained).
Molecular consequence: synonymous variant. On other transcripts: 5 prime UTR variant (2), non-coding transcript variant (2).
Genome position (GRCh38, 1-based): chr19:54,144,113, A>G. VCF-style: chr19-54144113-A-G. GRCh37 (hg19) VCF-style: chr19-54647849-A-G.
Other names: c.366A>G, p.Glu122= (NM_001440653.1, NM_001440654.1, NM_001440655.1 and 7 more transcripts); c.-234A>G (NM_001440659.1, NM_001440660.1).
Identifiers: ClinVar variation 4891017 (VCV004891017.1).

ClinVar aggregate classification (germline): Uncertain significance (1 of 4 stars; one submission).

Submission:

Greenwood Genetic Center Diagnostic Laboratories, Greenwood Genetic Center
Classification: Uncertain significance. Last evaluated: 2026-04-01. Review status: criteria provided, single submitter. Criteria: ACMG Guidelines, 2015. Collection method: clinical testing. Allele origin: germline.
Comment: PM2, BP4